The following is an entry in ClinVar:

NM_004036.5(ADCY3):c.2546T>C (p.Met849Thr)

Gene: ADCY3 (adenylate cyclase 3; minus strand). Cytogenetic location: 2p23.3.
Variant type: single nucleotide variant.
Coding change: c.2546T>C on transcript NM_004036.5 (MANE Select); coding-DNA position 2546, T replaced by C.
Protein change: p.Met849Thr; replaces methionine 849 with threonine.
Molecular consequence: missense variant. On other transcripts: intron variant (1).
Genome position (GRCh38, 1-based): chr2:24,826,076, A>G on the plus strand (T>C on the coding strand, the complement: ADCY3 is on the minus strand). VCF-style: chr2-24826076-A-G. GRCh37 (hg19) VCF-style: chr2-25048945-A-G.
Other names: c.2549T>C, p.Met850Thr (NM_001320613.2); c.2612T>C, p.Met871Thr (NM_001377128.1); c.2408T>C, p.Met803Thr (NM_001377129.1); c.1823T>C, p.Met608Thr (NM_001377131.1); c.2546T>C, p.Met849Thr (NM_001377132.1); c.2173-1540T>C (NM_001377130.1); short protein forms M608T, M803T, M849T, M850T, M871T.
Identifiers: ClinVar variation 3347136 (VCV003347136.1).
Genomic context (GRCh38, chr2:24,826,076, plus strand): 5'-AGAGCGGGGATCGTGCAGGCGGCACTCACGTGGCGGGAGAAGTAGTAGAAGCTGAGCATC[A>G]TGAGGAACACCATCACCGTCATAGAGTACTTGGAAGGCACCAGGGGCAGCCTGCTGGGCA-3'
Protein context (NP_004027.2, residues 839-859): KYSMTVMVFL[Met849Thr]MLSFYYFSRH

ClinVar aggregate classification (germline): Uncertain significance (0 of 4 stars; one submission).

Conditions:
ADCY3-related disorder. Also called: ADCY3-related condition.

Submission:

PreventionGenetics, part of Exact Sciences
Classification: Uncertain significance for ADCY3-related condition. Last evaluated: 2024-08-09. Review status: no assertion criteria provided. Collection method: clinical testing. Allele origin: germline.
Comment: The ADCY3 c.2549T>C variant is predicted to result in the amino acid substitution p.Met850Thr. To our knowledge, this variant has not been reported in the literature. This variant is reported in 0.0062% of alleles in individuals of African descent in gnomAD. At this time, the clinical significance of this variant is uncertain due to the absence of conclusive functional and genetic evidence.